The following is an entry in ClinVar:

ClinVar aggregate classification (germline): Uncertain significance (1 of 4 stars; one submission).

Allele frequency attached by ClinVar (database versions not stated): gnomAD exomes below 0.00001; ExAC 0.00001; gnomAD 0.00001; TOPMed 0.00001.

Submission:

Labcorp Genetics (formerly Invitae), Labcorp
Classification: Uncertain significance. Last evaluated: 2020-11-15. Review status: criteria provided, single submitter. Criteria: Invitae Variant Classification Sherloc (09022015). Collection method: clinical testing. Allele origin: germline.
Comment: In summary, the available evidence is currently insufficient to determine the role of this variant in disease. Therefore, it has been classified as a Variant of Uncertain Significance. Algorithms developed to predict the effect of missense changes on protein structure and function are either unavailable or do not agree on the potential impact of this missense change (SIFT: "Deleterious"; PolyPhen-2: "Benign"; Align-GVGD: "Class C45"). This variant has not been reported in the literature in individuals with CCT2-related conditions. This variant is present in population databases (rs770236319, ExAC 0.01%). This sequence change replaces methionine with threonine at codon 160 of the CCT2 protein (p.Met160Thr). The methionine residue is moderately conserved and there is a moderate physicochemical difference between methionine and threonine.

NM_006431.3(CCT2):c.479T>C (p.Met160Thr)

Gene: CCT2 (chaperonin containing TCP1 subunit 2; plus strand). Cytogenetic location: 12q15.
Variant type: single nucleotide variant.
Coding change: c.479T>C on transcript NM_006431.3 (MANE Select); coding-DNA position 479, T replaced by C.
Protein change: p.Met160Thr; replaces methionine 160 with threonine.
Molecular consequence: missense variant.
Genome position (GRCh38, 1-based): chr12:69,589,517, T>C. VCF-style: chr12-69589517-T-C. GRCh37 (hg19) VCF-style: chr12-69983297-T-C.
Other names: c.338T>C, p.Met113Thr (NM_001198842.2); short protein forms M113T, M160T.
Identifiers: ClinVar variation 1500297 (VCV001500297.8), dbSNP rs770236319, ClinGen allele CA6680600.
Genomic context (GRCh38, chr12:69,589,517, plus strand): 5'-ATATGTATATTTGGTTGGTTTTATTTAGTTCCGATGAAGTTAAATTCCGTCAAGATTTAA[T>C]GAATATTGCGGGCACAACATTATCCTCAAAACTTCTTACTCATCACAAAGACCACTTTAC-3'
Protein context (NP_006422.1, residues 150-170): SDEVKFRQDL[Met160Thr]NIAGTTLSSK